The following is an entry in ClinVar:

NM_014334.4(FRRS1L):c.119G>A (p.Arg40Gln)

Gene: FRRS1L (ferric chelate reductase 1 like; minus strand). Cytogenetic location: 9q31.3.
Variant type: single nucleotide variant.
Coding change: c.119G>A on transcript NM_014334.4 (MANE Select); coding-DNA position 119, G replaced by A.
Protein change: p.Arg40Gln; replaces arginine 40 with glutamine.
Molecular consequence: missense variant.
Genome position (GRCh38, 1-based): chr9:109,167,020, C>T on the plus strand (G>A on the coding strand, the complement: FRRS1L is on the minus strand). VCF-style: chr9-109167020-C-T. GRCh37 (hg19) VCF-style: chr9-111929300-C-T.
Other names: short protein forms R40Q.
Identifiers: ClinVar variation 1800764 (VCV001800764.1), dbSNP rs1831562810, ClinGen allele CA374430460.

ClinVar aggregate classification (germline): Uncertain significance (1 of 4 stars; one submission).

Allele frequency attached by ClinVar (database versions not stated): gnomAD 0.00001.

Submission:

GeneDx
Classification: Uncertain significance. Last evaluated: 2022-05-19. Review status: criteria provided, single submitter. Criteria: GeneDx Variant Classification Process June 2021. Collection method: clinical testing. Allele origin: germline. Affected: yes.
Comment: Not observed at significant frequency in large population cohorts (gnomAD); In silico analysis supports that this missense variant does not alter protein structure/function; Has not been previously published as pathogenic or benign to our knowledge